The following is an entry in ClinVar:

NM_004393.6(DAG1):c.42G>C (p.Ser14=)

Gene: DAG1 (dystroglycan 1; plus strand). Cytogenetic location: 3p21.31.
Variant type: single nucleotide variant.
Coding change: c.42G>C on transcript NM_004393.6 (MANE Select); coding-DNA position 42, G replaced by C.
Protein change: p.Ser14=; no amino-acid change (serine 14 retained).
Molecular consequence: synonymous variant.
Genome position (GRCh38, 1-based): chr3:49,510,576, G>C. VCF-style: chr3-49510576-G-C. GRCh37 (hg19) VCF-style: chr3-49548009-G-C.
Other names: c.42G>C, p.Ser14= (NM_001165928.4).
Identifiers: ClinVar variation 970816 (VCV000970816.1), dbSNP rs770996993, ClinGen allele CA2398808.

ClinVar aggregate classification (germline): Uncertain significance (1 of 4 stars; one submission).

Conditions:
Autosomal recessive limb-girdle muscular dystrophy type 2P. Also called: Limb-Girdle Muscular Dystrophy Type 9C; MUSCULAR DYSTROPHY, LIMB-GIRDLE, TYPE 2P; MUSCULAR DYSTROPHY-DYSTROGLYCANOPATHY, LIMB-GIRDLE, DAG1-RELATED. Identifiers: Orphanet 280333, MedGen C4511963, MONDO:0013440, OMIM 613818.
Muscular dystrophy-dystroglycanopathy (congenital with brain and eye anomalies), type A9. Also called: Muscular dystrophy-dystroglycanopathy (congenital with brain and eye anomalies), type a, 9; WALKER-WARBURG SYNDROME OR MUSCLE-EYE BRAIN DISEASE, DAG1-RELATED. Identifiers: Orphanet 370997, Orphanet 899, MedGen C4225291, MONDO:0014683, OMIM 616538.

gnomAD v4.1: 54 of 1,613,720 alleles (0.0033%); highest among the groups gnomAD compares: South Asian, 0.056%; no homozygotes.

Submission:

Labcorp Genetics (formerly Invitae), Labcorp
Classification: Uncertain significance for Limb-girdle muscular dystrophy-dystroglycanopathy, type C9; Muscular dystrophy-dystroglycanopathy (congenital with brain and eye anomalies), type a, 9. Last evaluated: 2019-07-19. Review status: criteria provided, single submitter. Criteria: Invitae Variant Classification Sherloc (09022015). Collection method: clinical testing. Allele origin: germline.
Comment: This sequence change replaces tryptophan with cysteine at codon 13 of the DAG1 protein (p.Trp14Cys). The tryptophan residue is moderately conserved and there is a large physicochemical difference between tryptophan and cysteine. This variant is reported as two separate entries in the ExAC population database (c.41C>G, 99% and c.42G>C, 0.0075%). This variant has not been reported in the literature in individuals with DAG1-related conditions. Algorithms developed to predict the effect of missense changes on protein structure and function output the following: SIFT: "Tolerated"; PolyPhen-2: "Not Available"; Align-GVGD: "C0". The cysteine amino acid residue is found in multiple mammalian species, suggesting that this missense change does not adversely affect protein function. These predictions have not been confirmed by published functional studies and their clinical significance is uncertain. In summary, the available evidence is currently insufficient to determine the role of this variant in disease. Therefore, it has been classified as a Variant of Uncertain Significance.